The following is an entry in ClinVar:

ClinVar aggregate classification (germline): Benign. Review status: criteria provided, multiple submitters, no conflicts (2 of 4 stars). 2 submissions from 2 submitters: Benign (2). Last evaluated 2021-07-10.

Conditions:
Ehlers-Danlos syndrome, dermatosparaxis type. Also called: Dermatosparaxis; EDS VIIC; Ehlers-Danlos syndrome, type VII, autosomal recessive. Identifiers: Orphanet 1901, MedGen C2700425, MONDO:0009161, OMIM 225410.

Allele frequency attached by ClinVar (database versions not stated): 1000 Genomes Project 0.02576; 1000 Genomes Project 30x 0.02748; gnomAD 0.04091 and 0.04147; TOPMed 0.04198; ESP Exome Variant Server 0.04370; gnomAD exomes 0.05219 and 0.05292; ExAC 0.05699.
gnomAD v4.1: 82,212 of 1,594,956 alleles (5.2%); highest among the groups gnomAD compares: Admixed American, 8.7%; 2,391 homozygotes.

Submissions (2):

Genome-Nilou Lab
Classification: Benign for Ehlers-Danlos syndrome, dermatosparaxis type. Last evaluated: 2021-07-10. Review status: criteria provided, single submitter. Criteria: ACMG Guidelines, 2015. Collection method: clinical testing. Allele origin: germline. Affected: no.

GeneDx
Classification: Benign. Last evaluated: 2018-06-14. Review status: criteria provided, single submitter. Criteria: GeneDx Variant Classification (06012015). Collection method: clinical testing. Allele origin: germline. Affected: yes.
Comment: This variant is considered likely benign or benign based on one or more of the following criteria: it is a conservative change, it occurs at a poorly conserved position in the protein, it is predicted to be benign by multiple in silico algorithms, and/or has population frequency not consistent with disease.

NM_014244.5(ADAMTS2):c.1383-22C>T

Gene: ADAMTS2 (ADAM metallopeptidase with thrombospondin type 1 motif 2; minus strand). Cytogenetic location: 5q35.3.
Variant type: single nucleotide variant.
Coding change: c.1383-22C>T on transcript NM_014244.5 (MANE Select); 22 bases into the intron before coding-DNA position 1383, C replaced by T.
Molecular consequence: intron variant.
Genome position (GRCh38, 1-based): chr5:179,153,645, G>A on the plus strand (C>T on the coding strand, the complement: ADAMTS2 is on the minus strand). VCF-style: chr5-179153645-G-A. GRCh37 (hg19) VCF-style: chr5-178580646-G-A.
Other names: c.1383-22C>T (NM_021599.4).
Identifiers: ClinVar variation 674588 (VCV000674588.4), dbSNP rs115740207, ClinGen allele CA3595934.